The following is an entry in ClinVar:

ClinVar aggregate classification (germline): Conflicting classifications of pathogenicity. Review status: criteria provided, conflicting classifications (1 of 4 stars). 8 submissions from 8 submitters: Uncertain significance (1); Likely benign (6). 1 of the submissions does not count toward it. Last evaluated 2026-07-01.

Conditions:
Familial focal epilepsy with variable foci (FPEVF). Identifiers: Orphanet 98820, MedGen C1858477, MONDO:0020310.
Inborn genetic diseases. Identifiers: MedGen C0950123, MeSH D030342.
Epilepsy, familial focal, with variable foci 1 (FFEVF1). Also called: DEPDC5-Related Epilepsy. Identifiers: MedGen C4551983, MONDO:0024556, OMIM 604364.
DEPDC5-related disorder. Also called: DEPDC5-related related disorder; DEPDC5-related condition.

Allele frequency attached by ClinVar (database versions not stated): ExAC 0.00018; gnomAD 0.00021 and 0.00023; gnomAD exomes 0.00023; TOPMed 0.00031; ESP Exome Variant Server 0.00042; 1000 Genomes Project 30x 0.00047; 1000 Genomes Project 0.00060.
gnomAD v4.1: 919 of 1,613,524 alleles (0.057%); highest among the groups gnomAD compares: Non-Finnish European, 0.074%; 2 homozygotes.

Submissions (8):

CeGaT Center for Human Genetics Tuebingen
Classification: Likely benign. Last evaluated: 2026-07-01. Review status: criteria provided, single submitter. Criteria: CeGaT Center For Human Genetics Tuebingen Variant Classification Criteria Version 2. Collection method: clinical testing. Allele origin: germline. Affected: yes. Observed: 5 variant alleles.
Comment: DEPDC5: BS2

Labcorp Genetics (formerly Invitae), Labcorp
Classification: Uncertain significance for Familial focal epilepsy with variable foci. Last evaluated: 2025-12-21. Review status: criteria provided, single submitter. Criteria: Invitae Variant Classification Sherloc (09022015). Collection method: clinical testing. Allele origin: germline.
Comment: This sequence change replaces serine, which is neutral and polar, with threonine, which is neutral and polar, at codon 891 of the DEPDC5 protein (p.Ser891Thr). This variant is present in population databases (rs185576553, gnomAD 0.05%). This variant has not been reported in the literature in individuals affected with DEPDC5-related conditions. ClinVar contains an entry for this variant (Variation ID: 407353). Experimental studies and prediction algorithms are not available or were not evaluated, and the functional significance of this variant is currently unknown. In summary, the available evidence is currently insufficient to determine the role of this variant in disease. Therefore, it has been classified as a Variant of Uncertain Significance.

Blueprint Genetics
Classification: Likely benign. Last evaluated: 2024-08-15. Review status: criteria provided, single submitter. Criteria: ACMG Guidelines, 2015. Collection method: clinical testing. Allele origin: germline.

Women's Health and Genetics/Laboratory Corporation of America, LabCorp
Classification: Likely benign. Last evaluated: 2024-04-17. Review status: criteria provided, single submitter. Criteria: LabCorp Variant Classification Summary - May 2015. Collection method: clinical testing. Allele origin: germline.
Comment: Variant summary: DEPDC5 c.2672G>C (p.Ser891Thr) results in a conservative amino acid change in the encoded protein sequence. Four of five in-silico tools predict a benign effect of the variant on protein function. The variant allele was found at a frequency of 0.00057 in 1613524 control chromosomes in the gnomAD database (v4.0.0), including 2 homozygotes, suggesting a benign role for the variant. To our knowledge, no occurrence of c.2672G>C in individuals affected with Epilepsy, Familial Focal, With Variable Foci 1 and no experimental evidence demonstrating its impact on protein function have been reported. ClinVar contains an entry for this variant (Variation ID: 407353). Based on the evidence outlined above, the variant was classified as likely benign.

ARUP Laboratories, Molecular Genetics and Genomics, ARUP Laboratories
Classification: Likely benign for Epilepsy, familial focal, with variable foci 1. Last evaluated: 2023-11-09. Review status: criteria provided, single submitter. Criteria: ARUP Molecular Germline Variant Investigation Process 2024. Collection method: clinical testing. Allele origin: germline.

GeneDx
Classification: Likely benign. Last evaluated: 2020-06-28. Review status: criteria provided, single submitter. Criteria: GeneDx Variant Classification Process June 2021. Collection method: clinical testing. Allele origin: germline. Affected: yes.

Ambry Genetics
Classification: Likely benign for Inborn genetic diseases. Last evaluated: 2017-07-28. Review status: criteria provided, single submitter. Criteria: Ambry Variant Classification Scheme 2023. Collection method: clinical testing. Allele origin: germline.

PreventionGenetics, part of Exact Sciences
Classification: Uncertain significance for DEPDC5-related condition. Last evaluated: 2024-04-29. Review status: no assertion criteria provided. Collection method: clinical testing. Allele origin: germline. Not counted in ClinVar's aggregate classification.
Comment: The DEPDC5 c.2672G>C variant is predicted to result in the amino acid substitution p.Ser891Thr. To our knowledge, this variant has not been reported in the literature. This variant is reported in 0.048% of alleles in individuals of European (Non-Finnish) descent in gnomAD. Although we suspect that this variant may be benign, at this time, the clinical significance of this variant is uncertain due to the absence of conclusive functional and genetic evidence.

NM_001242896.3(DEPDC5):c.2672G>C (p.Ser891Thr)

Gene: DEPDC5 (DEP domain containing 5, GATOR1 subcomplex subunit; plus strand). Cytogenetic location: 22q12.3.
Variant type: single nucleotide variant.
Coding change: c.2672G>C on transcript NM_001242896.3 (MANE Select); coding-DNA position 2672, G replaced by C.
Protein change: p.Ser891Thr; replaces serine 891 with threonine.
Molecular consequence: missense variant. On other transcripts: non-coding transcript variant (5).
Genome position (GRCh38, 1-based): chr22:31,843,683, G>C. VCF-style: chr22-31843683-G-C. GRCh37 (hg19) VCF-style: chr22-32239669-G-C.
Other names: c.2645G>C, p.Ser882Thr (NM_001136029.4, NM_001369903.1, NM_014662.6); c.2438G>C, p.Ser813Thr (NM_001242897.2, NM_001363854.2, NM_001364319.2); c.2672G>C, p.Ser891Thr (NM_001363852.2, NM_001364318.2, NM_001364320.2); c.2588G>C, p.Ser863Thr (NM_001369901.1, NM_001369902.1); short protein forms S891T, S813T, S863T, S882T.
Identifiers: ClinVar variation 407353 (VCV000407353.81), dbSNP rs185576553, ClinGen allele CA10196778.